The following is an entry in ClinVar:

NM_024753.5(TTC21B):c.330C>T (p.Ala110=)

Genes: TTC21B-AS1 (TTC21B antisense RNA 1; plus strand), TTC21B (tetratricopeptide repeat domain 21B; minus strand). Cytogenetic location: 2q24.3.
Variant type: single nucleotide variant.
Coding change: c.330C>T on transcript NM_024753.5 (MANE Select); coding-DNA position 330, C replaced by T.
Protein change: p.Ala110=; no amino-acid change (alanine 110 retained).
Molecular consequence: synonymous variant.
Genome position (GRCh38, 1-based): chr2:165,945,623, G>A on the plus strand (C>T on the coding strand, the complement: TTC21B is on the minus strand). VCF-style: chr2-165945623-G-A. GRCh37 (hg19) VCF-style: chr2-166802133-G-A.
Other names: c.330C>T (NM_024753.4).
Identifiers: ClinVar variation 2931894 (VCV002931894.4), dbSNP rs1298853337, ClinGen allele CA429893447.
Genomic context (GRCh38, chr2:165,945,623, plus strand): 5'-ATATTCCCTTGCTTTATCATGGCGACCAATGTGCCATAAAAATAAGCCTGCATGGTATAA[G>A]GCTTTCTCTCCAGCTCCTTTACGTTGTTCCTTCACTCTGGCATCTGATTCCAGAATAGCT-3'
Protein context (NP_079029.3, residues 100-120): KEQRKGAGEK[Ala110=]LYHAGLFLWH

ClinVar aggregate classification (germline): Likely benign. Review status: criteria provided, multiple submitters, no conflicts (2 of 4 stars). 2 submissions from 2 submitters: Likely benign (2). Last evaluated 2026-07-10.

Conditions:
Jeune thoracic dystrophy. Also called: Jeune syndrome; Infantile thoracic dystrophy; Thoracic pelvic phalangeal dystrophy; Jeune's syndrome; Chondroectodermal dysplasia-like syndrome; Short-rib thoracic dysplasia. Identifiers: Orphanet 474, MedGen C0265275, MONDO:0018770.
Nephronophthisis. Also called: Juvenile Nephronophthisis. Identifiers: Orphanet 655, MedGen C0687120, MONDO:0019005, HP:0000090.
TTC21B-related disorder. Also called: TTC21B-related condition; TTC21B-related disorders.

Allele frequency attached by ClinVar (database versions not stated): gnomAD exomes below 0.00001.
gnomAD v4.1: 5 of 1,613,754 alleles (0.00031%); highest among the groups gnomAD compares: South Asian, 0.0011%; no homozygotes.

Submissions (2):

PreventionGenetics, part of Exact Sciences
Classification: Likely benign for TTC21B-related condition. Last evaluated: 2026-07-10. Review status: criteria provided, single submitter. Criteria: ACMG Guidelines, 2015. Collection method: clinical testing. Allele origin: germline.
Comment: This variant is classified as likely benign based on ACMG/AMP sequence variant interpretation guidelines (Richards et al. 2015 PMID: 25741868, with internal and published modifications).

Labcorp Genetics (formerly Invitae), Labcorp
Classification: Likely benign for Jeune thoracic dystrophy; Nephronophthisis. Last evaluated: 2026-01-06. Review status: criteria provided, single submitter. Criteria: Invitae Variant Classification Sherloc (09022015). Collection method: clinical testing. Allele origin: germline.